The following is an entry in ClinVar:

NM_000392.5(ABCC2):c.2994C>G (p.Leu998=)

Gene: ABCC2 (ATP binding cassette subfamily C member 2; plus strand). Cytogenetic location: 10q24.2.
Variant type: single nucleotide variant.
Coding change: c.2994C>G on transcript NM_000392.5 (MANE Select); coding-DNA position 2994, C replaced by G.
Protein change: p.Leu998=; no amino-acid change (leucine 998 retained).
Molecular consequence: synonymous variant.
Genome position (GRCh38, 1-based): chr10:99,831,721, C>G. VCF-style: chr10-99831721-C-G. GRCh37 (hg19) VCF-style: chr10-101591478-C-G.
Other names: c.2994C>G (NM_000392.4).
Identifiers: ClinVar variation 3014964 (VCV003014964.4), dbSNP rs778492481, ClinGen allele CA5643659.

ClinVar aggregate classification (germline): Likely benign. Review status: criteria provided, multiple submitters, no conflicts (2 of 4 stars). 2 submissions from 2 submitters: Likely benign (2). Last evaluated 2026-01-15.

Conditions:
ABCC2-related disorder. Also called: ABCC2-related condition.

Allele frequency attached by ClinVar (database versions not stated): gnomAD exomes below 0.00001; TOPMed 0.00001; ExAC 0.00002.
gnomAD v4.1: 3 of 1,614,088 alleles (0.00019%); highest among the groups gnomAD compares: Non-Finnish European, 0.00017%; no homozygotes.

Submissions (2):

PreventionGenetics, part of Exact Sciences
Classification: Likely benign for ABCC2-related condition. Last evaluated: 2026-01-15. Review status: criteria provided, single submitter. Criteria: ACMG Guidelines, 2015. Collection method: clinical testing. Allele origin: germline.
Comment: This variant is classified as likely benign based on ACMG/AMP sequence variant interpretation guidelines (Richards et al. 2015 PMID: 25741868, with internal and published modifications).

Labcorp Genetics (formerly Invitae), Labcorp
Classification: Likely benign. Last evaluated: 2024-01-09. Review status: criteria provided, single submitter. Criteria: Invitae Variant Classification Sherloc (09022015). Collection method: clinical testing. Allele origin: germline.